The following is an entry in ClinVar:

NM_005235.3(ERBB4):c.2079+5G>A

Gene: ERBB4 (erb-b2 receptor tyrosine kinase 4; minus strand). Cytogenetic location: 2q34.
Variant type: single nucleotide variant.
Coding change: c.2079+5G>A on transcript NM_005235.3 (MANE Select); 5 bases into the intron after coding-DNA position 2079, G replaced by A.
Molecular consequence: intron variant.
Genome position (GRCh38, 1-based): chr2:211,630,457, C>T on the plus strand (G>A on the coding strand, the complement: ERBB4 is on the minus strand). VCF-style: chr2-211630457-C-T. GRCh37 (hg19) VCF-style: chr2-212495182-C-T.
Other names: c.2079+5G>A (NM_001042599.2); c.2049+5G>A (NM_001439006.1, NM_001439005.1).
Identifiers: ClinVar variation 1372283 (VCV001372283.8), dbSNP rs367976506, ClinGen allele CA2087877.
Genomic context (GRCh38, chr2:211,630,457, plus strand): 5'-CATCTAAACCTTCTAAACCTGATGAAAATCCCCAAACACATGAAGAGGAGAAAGAAATAC[C>T]TCACCTCTGTTTCCAAGAATCTTCTCAAGGCTCTTTTCTTTTTGATGCTCTTCCTTCTAA-3'

ClinVar aggregate classification (germline): Uncertain significance. Review status: criteria provided, single submitter (1 of 4 stars). 2 submissions from 2 submitters: Uncertain significance (1). 1 of the submissions does not count toward it. Last evaluated 2026-01-25.

Conditions:
ERBB4-related disorder. Also called: ERBB4-related condition.

Allele frequency attached by ClinVar (database versions not stated): ESP Exome Variant Server 0.00008; TOPMed 0.00009; gnomAD exomes 0.00010; gnomAD 0.00012 and 0.00013; ExAC 0.00016.
gnomAD v4.1: 204 of 1,612,788 alleles (0.013%); highest among the groups gnomAD compares: Non-Finnish European, 0.016%; no homozygotes.

Submissions (2):

Labcorp Genetics (formerly Invitae), Labcorp
Classification: Uncertain significance. Last evaluated: 2026-01-25. Review status: criteria provided, single submitter. Criteria: Invitae Variant Classification Sherloc (09022015). Collection method: clinical testing. Allele origin: germline.
Comment: This sequence change falls in intron 17 of the ERBB4 gene. It does not directly change the encoded amino acid sequence of the ERBB4 protein. It affects a nucleotide within the consensus splice site. This variant is present in population databases (rs367976506, gnomAD 0.02%). This variant has not been reported in the literature in individuals affected with ERBB4-related conditions. ClinVar contains an entry for this variant (Variation ID: 1372283). Variants that disrupt the consensus splice site are a relatively common cause of aberrant splicing (PMID: 17576681, 9536098). Algorithms developed to predict the effect of sequence changes on RNA splicing suggest that this variant is not likely to affect RNA splicing. In summary, the available evidence is currently insufficient to determine the role of this variant in disease. Therefore, it has been classified as a Variant of Uncertain Significance.

PreventionGenetics, part of Exact Sciences
Classification: Likely benign for ERBB4-related condition. Last evaluated: 2022-10-07. Review status: no assertion criteria provided. Collection method: clinical testing. Allele origin: germline. Not counted in ClinVar's aggregate classification.
Comment: This variant is classified as likely benign based on ACMG/AMP sequence variant interpretation guidelines (Richards et al. 2015 PMID: 25741868, with internal and published modifications).

Literature cited by the submitters: PubMed 17576681 (cited by Labcorp Genetics (formerly Invitae), Labcorp); PubMed 9536098 (cited by Labcorp Genetics (formerly Invitae), Labcorp).